The following is an entry in ClinVar:

NM_018418.5(SPATA7):c.1083-1G>A

Gene: SPATA7 (spermatogenesis associated 7; plus strand). Cytogenetic location: 14q31.3.
Variant type: single nucleotide variant.
Coding change: c.1083-1G>A on transcript NM_018418.5 (MANE Select); the canonical splice acceptor site of the intron before coding-DNA position 1083, G replaced by A.
Molecular consequence: splice acceptor variant.
Genome position (GRCh38, 1-based): chr14:88,433,134, G>A. VCF-style: chr14-88433134-G-A. GRCh37 (hg19) VCF-style: chr14-88899478-G-A.
Other names: c.987-1G>A (NM_001040428.4).
Identifiers: ClinVar variation 4782462 (VCV004782462.1).

ClinVar aggregate classification (germline): Likely pathogenic (1 of 4 stars; one submission).

Conditions:
Leber congenital amaurosis 3 (LCA3). Also called: SPATA7-Related Retinitis Pigmentosa. Identifiers: MedGen C1858677, MONDO:0011415, OMIM 604232.

gnomAD v4.1: 16 of 1,610,168 alleles (0.00099%); highest among the groups gnomAD compares: Admixed American, 0.0017%; no homozygotes.

Submission:

Labcorp Genetics (formerly Invitae), Labcorp
Classification: Likely pathogenic for Leber congenital amaurosis 3. Last evaluated: 2025-07-31. Review status: criteria provided, single submitter. Criteria: Invitae Variant Classification Sherloc (09022015). Collection method: clinical testing. Allele origin: germline.
Comment: This sequence change affects an acceptor splice site in intron 9 of the SPATA7 gene. It is expected to disrupt RNA splicing. Variants that disrupt the donor or acceptor splice site typically lead to a loss of protein function (PMID: 16199547), and loss-of-function variants in SPATA7 are known to be pathogenic (PMID: 19268277, 22334370, 23847139, 26047050, 26261414). This variant is present in population databases (no rsID available, gnomAD 0.003%). This variant has not been reported in the literature in individuals affected with SPATA7-related conditions. Algorithms developed to predict the effect of sequence changes on RNA splicing suggest that this variant may disrupt the consensus splice site. In summary, the currently available evidence indicates that the variant is pathogenic, but additional data are needed to prove that conclusively. Therefore, this variant has been classified as Likely Pathogenic.

Literature cited by the submitters: PubMed 16199547; PubMed 19268277; PubMed 22334370; PubMed 23847139; PubMed 26047050; PubMed 26261414.